The following is an entry in ClinVar:

NM_005120.3(MED12):c.4147G>A (p.Ala1383Thr)

Gene: MED12 (mediator complex subunit 12; plus strand). Cytogenetic location: Xq13.1.
Variant type: single nucleotide variant.
Coding change: c.4147G>A on transcript NM_005120.3 (MANE Select); coding-DNA position 4147, G replaced by A.
Protein change: p.Ala1383Thr; replaces alanine 1383 with threonine.
Molecular consequence: missense variant.
Genome position (GRCh38, 1-based): chrX:71,132,100, G>A. VCF-style: chrX-71132100-G-A. GRCh37 (hg19) VCF-style: chrX-70351950-G-A.
Other names: short protein forms A1383T.
Identifiers: ClinVar variation 213624 (VCV000213624.16), dbSNP rs863223696, ClinGen allele CA320088.
Genomic context (GRCh38, chrX:71,132,100, plus strand): 5'-TTTTAGCACTTCTGTGCCTTTCATCCTCCCCAGGAGATGAACTCCCTCTTGGAGAACATC[G>A]CCAAGGCCACAATCGAGGTTTTCCAACAGTCAGCAGAGACAGGGTCATCTTCTGGAAGTA-3'
Protein context (NP_005111.2, residues 1373-1393): NEMNSLLENI[Ala1383Thr]KATIEVFQQS

ClinVar aggregate classification (germline): Conflicting classifications of pathogenicity. Review status: criteria provided, conflicting classifications (1 of 4 stars). 7 submissions from 7 submitters: Pathogenic (3); Likely pathogenic (1); Uncertain significance (2). 1 of the submissions does not count toward it. Last evaluated 2025-11-14.

Conditions:
FG syndrome (FGS). Identifiers: MedGen C0220769, MONDO:0002010.
Inborn genetic diseases. Identifiers: MedGen C0950123, MeSH D030342.
MED12-Related Disorders. Also called: MED12-related disorder; MED12-related condition. Identifiers: MedGen CN381102.
Blepharophimosis - intellectual disability syndrome, MKB type. Also called: BLEPHAROPHIMOSIS-MENTAL RETARDATION SYNDROME, MAAT-KIEVIT-BRUNNER TYPE; Ohdo syndrome, X-linked; X-Linked Ohdo Syndrome (XLOS). Identifiers: Orphanet 293707, MedGen C3698541, MONDO:0010477, OMIM 300895.
FG syndrome 1 (OKS). Also called: FG Syndrome Type 1 (FGS1); OPITZ-KAVEGGIA SYNDROME; KELLER SYNDROME; MENTAL RETARDATION, LARGE HEAD, IMPERFORATE ANUS, CONGENITAL HYPOTONIA, AND PARTIAL AGENESIS OF CORPUS CALLOSUM. Identifiers: Orphanet 93932, MedGen C5399762, MONDO:0010590, OMIM 305450.

Submissions (7):

Labcorp Genetics (formerly Invitae), Labcorp
Classification: Pathogenic for FG syndrome. Last evaluated: 2025-11-14. Review status: criteria provided, single submitter. Criteria: Invitae Variant Classification Sherloc (09022015). Collection method: clinical testing. Allele origin: germline.
Comment: This sequence change replaces alanine, which is neutral and non-polar, with threonine, which is neutral and polar, at codon 1383 of the MED12 protein (p.Ala1383Thr). This variant is not present in population databases (gnomAD no frequency). This missense change has been observed in individual(s) with clinical features of MED12-related conditions (PMID: 26338144, 33057194, 35982159, 36066546, 36271811). In at least one individual the variant was observed to be de novo. ClinVar contains an entry for this variant (Variation ID: 213624). Invitae Evidence Modeling of protein sequence and biophysical properties (such as structural, functional, and spatial information, amino acid conservation, physicochemical variation, residue mobility, and thermodynamic stability) has been performed for this missense variant. However, the output from this modeling did not meet the statistical confidence thresholds required to predict the impact of this variant on MED12 protein function. For these reasons, this variant has been classified as Pathogenic.

GeneDx
Classification: Pathogenic. Last evaluated: 2025-10-07. Review status: criteria provided, single submitter. Criteria: GeneDx Variant Classification Process June 2021. Collection method: clinical testing. Allele origin: germline. Affected: yes.
Comment: Not observed at significant frequency in large population cohorts (gnomAD); In silico analysis supports that this missense variant has a deleterious effect on protein structure/function; This variant is associated with the following publications: (PMID: 31536828, 26338144, 16700052, 17334363, 26273451, 25644381, 23395478, 24039113, 20970104, 20507344, 17369503, 20301719, 17036352, 10405444, 8279489, 31322785, 30729724, 33057194, 36066546, 36271811, 35982159)

3billion
Classification: Likely pathogenic for Blepharophimosis - intellectual disability syndrome, MKB type. Last evaluated: 2024-04-03. Review status: criteria provided, single submitter. Criteria: ACMG Guidelines, 2015. Collection method: clinical testing. Allele origin: germline. Affected: yes.
Comment: The variant is not observed in the gnomAD v4.0.0 dataset. Predicted Consequence/Location: Missense variant Damaging effect on gene or gene product predicted by in silico programs is uncertain [REVEL: 0.51 (damaging >=0.6, benign <0.4), 3Cnet: 0.14 (damaging >=0.6, benign <0.15)]. Same nucleotide change resulting in same amino acid change has been previously reported as pathogenic/likely pathogenic with strong evidence (ClinVar ID: VCV000213624 /PMID: 26338144). The variant has been previously reported as assumed (i.e. paternity and maternity not confirmed) de novo in at least one similarly affected unrelated individual (PMID: 36271811). Therefore, this variant is classified as Likely pathogenic according to the recommendation of ACMG/AMP guideline.

CENTOGENE GmbH and LLC - Guiding Precision Medicine
Classification: Uncertain significance for Blepharophimosis - intellectual disability syndrome, MKB type. Last evaluated: 2020-08-28. Review status: criteria provided, single submitter. Criteria: ACMG Guidelines, 2015. Collection method: clinical testing. Allele origin: germline. Affected: yes.

Blueprint Genetics
Classification: Pathogenic for MED12-related disorders. Last evaluated: 2019-10-14. Review status: criteria provided, single submitter. Criteria: ACMG Guidelines, 2015. Collection method: clinical testing. Allele origin: germline. Affected: yes. Observed: 1 variant allele.

Ambry Genetics
Classification: Uncertain significance for Inborn genetic diseases. Last evaluated: 2017-05-08. Review status: criteria provided, single submitter. Criteria: Ambry exome assertion method (8-5-2015). Collection method: clinical testing. Allele origin: germline. Affected: yes. Observed: 1 variant allele.

GeneReviews
No classification provided. Condition: FG syndrome. Review status: no classification provided. Collection method: literature only. Allele origin: germline. Not counted in ClinVar's aggregate classification.
Comment: Reported in male sibs with nonspecific intellectual disability

Literature cited by the submitters: PubMed 26338144 (cited by 4 submitters); PubMed 33057194 (cited by Labcorp Genetics (formerly Invitae), Labcorp); PubMed 35982159 (cited by Labcorp Genetics (formerly Invitae), Labcorp); PubMed 36066546 (cited by Labcorp Genetics (formerly Invitae), Labcorp); PubMed 36271811 (cited by Labcorp Genetics (formerly Invitae), Labcorp and 3billion); PubMed 20301719 (cited by GeneReviews).